The following is an entry in ClinVar:

ClinVar aggregate classification (germline): Uncertain significance. Review status: criteria provided, multiple submitters, no conflicts (2 of 4 stars). 3 submissions from 3 submitters: Uncertain significance (3). Last evaluated 2024-08-13.

Conditions:
Cardiovascular phenotype. Identifiers: MedGen CN230736.
Progressive familial heart block type IB (PFHB1B). Identifiers: Orphanet 871, MedGen C1970298, MONDO:0011474, OMIM 604559.

Allele frequency attached by ClinVar (database versions not stated): gnomAD exomes below 0.00001.
gnomAD v4.1: 1 of 1,555,428 alleles (0.000064%); highest among the groups gnomAD compares: Non-Finnish European, 0.000087%; no homozygotes.

Submissions (3):

Labcorp Genetics (formerly Invitae), Labcorp
Classification: Uncertain significance for Progressive familial heart block type IB. Last evaluated: 2024-08-13. Review status: criteria provided, single submitter. Criteria: Invitae Variant Classification Sherloc (09022015). Collection method: clinical testing. Allele origin: germline.
Comment: This sequence change replaces threonine, which is neutral and polar, with proline, which is neutral and non-polar, at codon 781 of the TRPM4 protein (p.Thr781Pro). This variant is not present in population databases (gnomAD no frequency). This variant has not been reported in the literature in individuals affected with TRPM4-related conditions. ClinVar contains an entry for this variant (Variation ID: 1063734). An algorithm developed to predict the effect of missense changes on protein structure and function (PolyPhen-2) suggests that this variant is likely to be disruptive. In summary, the available evidence is currently insufficient to determine the role of this variant in disease. Therefore, it has been classified as a Variant of Uncertain Significance.

Ambry Genetics
Classification: Uncertain significance for Cardiovascular phenotype. Last evaluated: 2024-05-30. Review status: criteria provided, single submitter. Criteria: Ambry Variant Classification Scheme 2023. Collection method: clinical testing. Allele origin: germline.
Comment: The p.T781P variant (also known as c.2341A>C), located in coding exon 17 of the TRPM4 gene, results from an A to C substitution at nucleotide position 2341. The threonine at codon 781 is replaced by proline, an amino acid with highly similar properties. This amino acid position is conserved. In addition, the in silico prediction for this alteration is inconclusive. Based on the available evidence, the clinical significance of this variant remains unclear.

GeneDx
Classification: Uncertain significance. Last evaluated: 2023-11-20. Review status: criteria provided, single submitter. Criteria: GeneDx Variant Classification Process June 2021. Collection method: clinical testing. Allele origin: germline. Affected: yes.
Comment: Not observed at significant frequency in large population cohorts (gnomAD); In silico analysis supports that this missense variant has a deleterious effect on protein structure/function; Has not been previously published as pathogenic or benign to our knowledge

NM_017636.4(TRPM4):c.2341A>C (p.Thr781Pro)

Gene: TRPM4 (transient receptor potential cation channel subfamily M member 4; plus strand). Cytogenetic location: 19q13.33.
Variant type: single nucleotide variant.
Coding change: c.2341A>C on transcript NM_017636.4 (MANE Select); coding-DNA position 2341, A replaced by C.
Protein change: p.Thr781Pro; replaces threonine 781 with proline.
Molecular consequence: missense variant. On other transcripts: intron variant (1).
Genome position (GRCh38, 1-based): chr19:49,196,570, A>C. VCF-style: chr19-49196570-A-C. GRCh37 (hg19) VCF-style: chr19-49699827-A-C.
Other names: c.1996A>C, p.Thr666Pro (NM_001321281.2); c.733A>C, p.Thr245Pro (NM_001321282.2); c.1819A>C, p.Thr607Pro (NM_001321283.2); c.1279A>C, p.Thr427Pro (NM_001321285.2); c.2211-3730A>C (NM_001195227.2); c.2341A>C (NM_017636.3); short protein forms T245P, T427P, T607P, T666P, T781P.
Identifiers: ClinVar variation 1063734 (VCV001063734.11), dbSNP rs2123042220, ClinGen allele CA406808920.